The following is an entry in ClinVar:

NM_032119.4(ADGRV1):c.8800_8801del (p.Ser2934fs)

Gene: ADGRV1 (adhesion G protein-coupled receptor V1; plus strand). Cytogenetic location: 5q14.3.
Variant type: Deletion.
Coding change: c.8800_8801del on transcript NM_032119.4 (MANE Select); coding-DNA positions 8800 to 8801, 2 bases deleted (TC; older notation c.8800_8801delTC).
Protein change: p.Ser2934fs; shifts the reading frame from serine 2934.
Molecular consequence: frameshift variant. On other transcripts: non-coding transcript variant (1).
Genome position (GRCh38, 1-based): chr5:90,708,885-90,708,886, TC deleted. VCF-style (leftmost placement, unchanged base first): chr5-90708884-TTC-T. GRCh37 (hg19) VCF-style: chr5-90004701-TTC-T.
Other names: short protein forms S2934fs.
Identifiers: ClinVar variation 2866827 (VCV002866827.3), dbSNP rs2531121295, ClinGen allele CA2674569561.

ClinVar aggregate classification (germline): Pathogenic (1 of 4 stars; one submission).

Allele frequency attached by ClinVar (database versions not stated): gnomAD exomes below 0.00001.

Submission:

Labcorp Genetics (formerly Invitae), Labcorp
Classification: Pathogenic. Last evaluated: 2023-05-22. Review status: criteria provided, single submitter. Criteria: Invitae Variant Classification Sherloc (09022015). Collection method: clinical testing. Allele origin: germline.
Comment: For these reasons, this variant has been classified as Pathogenic. This variant has not been reported in the literature in individuals affected with ADGRV1-related conditions. This variant is not present in population databases (gnomAD no frequency). This sequence change creates a premature translational stop signal (p.Ser2934Asnfs*19) in the ADGRV1 gene. It is expected to result in an absent or disrupted protein product. Loss-of-function variants in ADGRV1 are known to be pathogenic (PMID: 19357117, 22135276, 22147658, 26226137, 30718709, 31047384, 32467589).

Literature cited by the submitters: PubMed 19357117; PubMed 22135276; PubMed 22147658; PubMed 26226137; PubMed 30718709; PubMed 31047384; PubMed 32467589.